The following is an entry in ClinVar:

NM_133368.3(RSPRY1):c.1466T>C (p.Met489Thr)

Gene: RSPRY1 (ring finger and SPRY domain containing 1; plus strand). Cytogenetic location: 16q13.
Variant type: single nucleotide variant.
Coding change: c.1466T>C on transcript NM_133368.3 (MANE Select); coding-DNA position 1466, T replaced by C.
Protein change: p.Met489Thr; replaces methionine 489 with threonine.
Molecular consequence: missense variant.
Genome position (GRCh38, 1-based): chr16:57,231,256, T>C. VCF-style: chr16-57231256-T-C. GRCh37 (hg19) VCF-style: chr16-57265168-T-C.
Other names: c.1466T>C, p.Met489Thr (NM_001305163.2, NM_001305164.2); short protein forms M489T.
Identifiers: ClinVar variation 1059037 (VCV001059037.9), dbSNP rs755216093, ClinGen allele CA8074733.

ClinVar aggregate classification (germline): Uncertain significance (1 of 4 stars; one submission).

Allele frequency attached by ClinVar (database versions not stated): gnomAD exomes below 0.00001 and 0.00002; TOPMed 0.00001; ExAC 0.00002.
gnomAD v4.1: 5 of 1,613,892 alleles (0.00031%); highest among the groups gnomAD compares: Non-Finnish European, 0.00042%; no homozygotes.

Submission:

Labcorp Genetics (formerly Invitae), Labcorp
Classification: Uncertain significance. Last evaluated: 2020-04-19. Review status: criteria provided, single submitter. Criteria: Invitae Variant Classification Sherloc (09022015). Collection method: clinical testing. Allele origin: germline.
Comment: In summary, the available evidence is currently insufficient to determine the role of this variant in disease. Therefore, it has been classified as a Variant of Uncertain Significance. Algorithms developed to predict the effect of missense changes on protein structure and function output the following: SIFT: "Tolerated"; PolyPhen-2: "Benign"; Align-GVGD: "Class C0". The threonine amino acid residue is found in multiple mammalian species, suggesting that this missense change does not adversely affect protein function. These predictions have not been confirmed by published functional studies and their clinical significance is uncertain. This variant has not been reported in the literature in individuals with RSPRY1-related conditions. This variant is present in population databases (rs755216093, ExAC 0.003%). This sequence change replaces methionine with threonine at codon 489 of the RSPRY1 protein (p.Met489Thr). The methionine residue is moderately conserved and there is a moderate physicochemical difference between methionine and threonine.